The following is an entry in ClinVar:

NM_002292.4(LAMB2):c.1930C>T (p.Arg644Cys)

Gene: LAMB2 (laminin subunit beta 2; minus strand). Cytogenetic location: 3p21.31.
Variant type: single nucleotide variant.
Coding change: c.1930C>T on transcript NM_002292.4 (MANE Select); coding-DNA position 1930, C replaced by T.
Protein change: p.Arg644Cys; replaces arginine 644 with cysteine.
Molecular consequence: missense variant.
Genome position (GRCh38, 1-based): chr3:49,128,546, G>A on the plus strand (C>T on the coding strand, the complement: LAMB2 is on the minus strand). VCF-style: chr3-49128546-G-A. GRCh37 (hg19) VCF-style: chr3-49165979-G-A.
Other names: short protein forms R644C.
Identifiers: ClinVar variation 938783 (VCV000938783.7), dbSNP rs766396792, ClinGen allele CA2394453.

ClinVar aggregate classification (germline): Uncertain significance. Review status: criteria provided, multiple submitters, no conflicts (2 of 4 stars). 2 submissions from 2 submitters: Uncertain significance (2). Last evaluated 2023-10-03.

Conditions:
Pierson syndrome. Also called: MICROCORIA-CONGENITAL NEPHROTIC SYNDROME. Identifiers: Orphanet 2670, MedGen C1836876, MONDO:0012184, OMIM 609049.
LAMB2-related infantile-onset nephrotic syndrome. Also called: NEPHROTIC SYNDROME, TYPE 5, WITHOUT OCULAR ABNORMALITIES; NEPHROTIC SYNDROME, TYPE 5, WITH OCULAR ABNORMALITIES; Nephrotic Syndrome, type 5. Identifiers: Orphanet 306507, MedGen C3280113, MONDO:0013621, OMIM 614199.

Allele frequency attached by ClinVar (database versions not stated): TOPMed below 0.00001; ExAC 0.00002; gnomAD exomes 0.00002.

Submissions (2):

Labcorp Genetics (formerly Invitae), Labcorp
Classification: Uncertain significance for LAMB2-related infantile-onset nephrotic syndrome; Pierson syndrome. Last evaluated: 2023-10-03. Review status: criteria provided, single submitter. Criteria: Invitae Variant Classification Sherloc (09022015). Collection method: clinical testing. Allele origin: germline.
Comment: This sequence change replaces arginine, which is basic and polar, with cysteine, which is neutral and slightly polar, at codon 644 of the LAMB2 protein (p.Arg644Cys). This variant is present in population databases (rs766396792, gnomAD 0.01%). This variant has not been reported in the literature in individuals affected with LAMB2-related conditions. ClinVar contains an entry for this variant (Variation ID: 938783). An algorithm developed to predict the effect of missense changes on protein structure and function (PolyPhen-2) suggests that this variant is likely to be disruptive. In summary, the available evidence is currently insufficient to determine the role of this variant in disease. Therefore, it has been classified as a Variant of Uncertain Significance.

Fulgent Genetics
Classification: Uncertain significance for Pierson syndrome; LAMB2-related infantile-onset nephrotic syndrome. Last evaluated: 2022-05-19. Review status: criteria provided, single submitter. Criteria: ACMG Guidelines, 2015. Collection method: clinical testing. Allele origin: unknown.